The following is an entry in ClinVar:

ClinVar aggregate classification (germline): Uncertain significance (1 of 4 stars; one submission).

Conditions:
MCCC2-related disorder. Also called: MCCC2-related condition.

Submission:

PreventionGenetics, part of Exact Sciences
Classification: Uncertain significance for MCCC2-related condition. Last evaluated: 2026-07-07. Review status: criteria provided, single submitter. Criteria: ACMG Guidelines, 2015. Collection method: clinical testing. Allele origin: germline.
Comment: The MCCC2 c.1170A>T variant is predicted to result in the amino acid substitution p.Leu390Phe. To our knowledge, this variant has not been reported in the literature or in a large population database (gnomAD), indicating this variant is rare. At this time, the clinical significance of this variant is uncertain due to the absence of conclusive functional and genetic evidence.

NM_022132.5(MCCC2):c.1170A>T (p.Leu390Phe)

Gene: MCCC2 (methylcrotonyl-CoA carboxylase subunit 2; plus strand). Cytogenetic location: 5q13.2.
Variant type: single nucleotide variant.
Coding change: c.1170A>T on transcript NM_022132.5 (MANE Select); coding-DNA position 1170, A replaced by T.
Protein change: p.Leu390Phe; replaces leucine 390 with phenylalanine.
Molecular consequence: missense variant.
Genome position (GRCh38, 1-based): chr5:71,646,231, A>T. VCF-style: chr5-71646231-A-T. GRCh37 (hg19) VCF-style: chr5-70942058-A-T.
Other names: c.1056A>T, p.Leu352Phe (NM_001363147.1); short protein forms L352F, L390F.
Identifiers: ClinVar variation 4997787 (VCV004997787.1).
Genomic context (GRCh38, chr5:71,646,231, plus strand): 5'-AATTCCCTTTTAAAAAGATTTTTATGTTATTTGCTTATAGGGTACTCACTTTGTCCAGTT[A>T]TGCTGCCAAAGAAATATTCCTCTGCTGTTCCTTCAAAACATTACTGGTAAGAAAATAGCT-3'
Protein context (NP_071415.1, residues 380-400): SAKKGTHFVQ[Leu390Phe]CCQRNIPLLF